The following is an entry in ClinVar:

NM_001330078.2(NRXN1):c.2807C>T (p.Thr936Ile)

Gene: NRXN1 (neurexin 1; minus strand). Cytogenetic location: 2p16.3.
Variant type: single nucleotide variant.
Coding change: c.2807C>T on transcript NM_001330078.2 (MANE Select); coding-DNA position 2807, C replaced by T.
Protein change: p.Thr936Ile; replaces threonine 936 with isoleucine.
Molecular consequence: missense variant.
Genome position (GRCh38, 1-based): chr2:50,497,405, G>A on the plus strand (C>T on the coding strand, the complement: NRXN1 is on the minus strand). VCF-style: chr2-50497405-G-A. GRCh37 (hg19) VCF-style: chr2-50724543-G-A.
Other names: c.2927C>T, p.Thr976Ile (NM_001135659.3); c.2795C>T, p.Thr932Ile (NM_001330094.2); c.2756C>T, p.Thr919Ile (NM_001330095.2); c.2696C>T, p.Thr899Ile (NM_001330096.2, NM_001330087.2); c.2807C>T, p.Thr936Ile (NM_004801.6, NM_001330086.2); c.2783C>T, p.Thr928Ile (NM_001330077.2, NM_001330082.2); c.2741C>T, p.Thr914Ile (NM_001330083.2, NM_001330084.2); c.2780C>T, p.Thr927Ile (NM_001330085.2); and 2 more; short protein forms T899I, T936I, T919I, T928I, T932I, T976I, T935I, T909I.
Identifiers: ClinVar variation 3005631 (VCV003005631.3), dbSNP rs200877444, ClinGen allele CA1654732.
Genomic context (GRCh38, chr2:50,497,405, plus strand): 5'-TCAACCACAATAAAGTCATTTCCATCCCCACTGTTATATAGAATTAATCCATCTAGGGAT[G>A]TTGTCTTGAACTGGAAAAAAAGATGCATAGAAGTGTAGGCTTGCAAGGTAGCTAAGGCAA-3'
Protein context (NP_001317007.1, residues 926-946): SMHLFFQFKT[Thr936Ile]SLDGLILYNS

ClinVar aggregate classification (germline): Uncertain significance (1 of 4 stars; one submission).

Conditions:
Pitt-Hopkins-like syndrome 2 (PTHSL2). Identifiers: Orphanet 221150, Orphanet 600663, MedGen C3280479, MONDO:0013690, OMIM 614325.

Allele frequency attached by ClinVar (database versions not stated): gnomAD exomes below 0.00001; ExAC 0.00001.
gnomAD v4.1: 6 of 1,603,308 alleles (0.00037%); highest among the groups gnomAD compares: South Asian, 0.0011%; no homozygotes.

Submission:

Labcorp Genetics (formerly Invitae), Labcorp
Classification: Uncertain significance for Pitt-Hopkins-like syndrome 2. Last evaluated: 2023-06-29. Review status: criteria provided, single submitter. Criteria: Invitae Variant Classification Sherloc (09022015). Collection method: clinical testing. Allele origin: germline.
Comment: This variant has not been reported in the literature in individuals affected with NRXN1-related conditions. An algorithm developed to predict the effect of missense changes on protein structure and function (PolyPhen-2) suggests that this variant is likely to be disruptive. In summary, the available evidence is currently insufficient to determine the role of this variant in disease. Therefore, it has been classified as a Variant of Uncertain Significance. This variant is present in population databases (rs200877444, gnomAD 0.003%). This sequence change replaces threonine, which is neutral and polar, with isoleucine, which is neutral and non-polar, at codon 976 of the NRXN1 protein (p.Thr976Ile).